The following is an entry in ClinVar:

NM_003072.5(SMARCA4):c.1062C>T (p.Pro354=)

Gene: SMARCA4 (SWI/SNF related BAF chromatin remodeling complex subunit ATPase 4; plus strand). Cytogenetic location: 19p13.2.
Variant type: single nucleotide variant.
Coding change: c.1062C>T on transcript NM_003072.5 (MANE Select); coding-DNA position 1062, C replaced by T.
Protein change: p.Pro354=; no amino-acid change (proline 354 retained).
Molecular consequence: synonymous variant. On other transcripts: non-coding transcript variant (1).
Genome position (GRCh38, 1-based): chr19:10,987,868, C>T. VCF-style: chr19-10987868-C-T. GRCh37 (hg19) VCF-style: chr19-11098544-C-T.
Other names: c.1062C>T, p.Pro354= (NM_001128844.3, NM_001128845.2, NM_001128846.2 and 5 more transcripts).
Identifiers: ClinVar variation 470226 (VCV000470226.14), dbSNP rs1555755238, ClinGen allele CA505489746.

ClinVar aggregate classification (germline): Benign/Likely benign. Review status: criteria provided, multiple submitters, no conflicts (2 of 4 stars). 3 submissions from 3 submitters: Benign (1); Likely benign (2). Last evaluated 2026-07-09.

Conditions:
Hereditary cancer-predisposing syndrome. Also called: Hereditary Cancer Syndrome; Hereditary neoplastic syndrome; Neoplastic Syndromes, Hereditary; Tumor predisposition. Identifiers: Orphanet 140162, MedGen C0027672, MeSH D009386, MONDO:0015356.
Rhabdoid tumor predisposition syndrome 2 (RTPS2). Identifiers: Orphanet 231108, Orphanet 69077, MedGen C2750074, MONDO:0013224, OMIM 613325.

Allele frequency attached by ClinVar (database versions not stated): gnomAD exomes below 0.00001.
gnomAD v4.1: 2 of 1,612,990 alleles (0.00012%); no homozygotes.

Submissions (3):

Myriad Genetics, Inc.
Classification: Benign for Rhabdoid tumor predisposition syndrome 2. Last evaluated: 2026-07-09. Review status: criteria provided, single submitter. Criteria: Myriad Autosomal Dominant, Autosomal Recessive and X-Linked Classification Criteria (2023). Collection method: clinical testing. Allele origin: unknown.
Comment: This variant is considered benign. This variant is a silent/synonymous amino acid change and it is not expected to impact splicing.

Labcorp Genetics (formerly Invitae), Labcorp
Classification: Likely benign for Rhabdoid tumor predisposition syndrome 2. Last evaluated: 2025-10-31. Review status: criteria provided, single submitter. Criteria: Invitae Variant Classification Sherloc (09022015). Collection method: clinical testing. Allele origin: germline.

Ambry Genetics
Classification: Likely benign for Hereditary cancer-predisposing syndrome. Last evaluated: 2019-03-21. Review status: criteria provided, single submitter. Criteria: Ambry Variant Classification Scheme 2023. Collection method: clinical testing. Allele origin: germline.